The following is an entry in ClinVar:

ClinVar aggregate classification (germline): Uncertain significance. Review status: criteria provided, multiple submitters, no conflicts (2 of 4 stars). 2 submissions from 2 submitters: Uncertain significance (2). Last evaluated 2024-08-29.

Conditions:
Inborn genetic diseases. Identifiers: MedGen C0950123, MeSH D030342.
Compton-North congenital myopathy (CMYO12). Identifiers: Orphanet 210163, MedGen C2675527, MONDO:0012929, OMIM 612540.

Allele frequency attached by ClinVar (database versions not stated): ExAC 0.00001; gnomAD 0.00001; TOPMed 0.00001.
gnomAD v4.1: 20 of 1,613,730 alleles (0.0012%); highest among the groups gnomAD compares: South Asian, 0.0099%; no homozygotes.

Submissions (2):

Ambry Genetics
Classification: Uncertain significance for Inborn genetic diseases. Last evaluated: 2024-08-29. Review status: criteria provided, single submitter. Criteria: Ambry Variant Classification Scheme 2023. Collection method: clinical testing. Allele origin: germline.

Labcorp Genetics (formerly Invitae), Labcorp
Classification: Uncertain significance for Compton-North congenital myopathy. Last evaluated: 2021-01-15. Review status: criteria provided, single submitter. Criteria: Invitae Variant Classification Sherloc (09022015). Collection method: clinical testing. Allele origin: germline.
Comment: This variant is present in population databases (rs745975456, ExAC 0.006%). This variant has not been reported in the literature in individuals with CNTN1-related conditions. This sequence change replaces glycine with serine at codon 1004 of the CNTN1 protein (p.Gly1004Ser). The glycine residue is weakly conserved and there is a small physicochemical difference between glycine and serine. Algorithms developed to predict the effect of missense changes on protein structure and function output the following: SIFT: "Tolerated"; PolyPhen-2: "Benign"; Align-GVGD: "Class C0". The serine amino acid residue is found in multiple mammalian species, suggesting that this missense change does not adversely affect protein function. These predictions have not been confirmed by published functional studies and their clinical significance is uncertain. In summary, the available evidence is currently insufficient to determine the role of this variant in disease. Therefore, it has been classified as a Variant of Uncertain Significance.

NM_001843.4(CNTN1):c.3010G>A (p.Gly1004Ser)

Gene: CNTN1 (contactin 1; plus strand). Cytogenetic location: 12q12.
Variant type: single nucleotide variant.
Coding change: c.3010G>A on transcript NM_001843.4 (MANE Select); coding-DNA position 3010, G replaced by A.
Protein change: p.Gly1004Ser; replaces glycine 1004 with serine.
Molecular consequence: missense variant.
Genome position (GRCh38, 1-based): chr12:41,069,988, G>A. VCF-style: chr12-41069988-G-A. GRCh37 (hg19) VCF-style: chr12-41463790-G-A.
Other names: c.2977G>A, p.Gly993Ser (NM_175038.2); c.3010G>A (NM_001843.2); short protein forms G993S, G1004S.
Identifiers: ClinVar variation 850933 (VCV000850933.11), dbSNP rs745975456, ClinGen allele CA6517290.